The following is an entry in ClinVar:

NM_016156.6(MTMR2):c.309A>T (p.Gly103=)

Gene: MTMR2 (myotubularin related protein 2; minus strand). Cytogenetic location: 11q21.
Variant type: single nucleotide variant.
Coding change: c.309A>T on transcript NM_016156.6 (MANE Select); coding-DNA position 309, A replaced by T.
Protein change: p.Gly103=; no amino-acid change (glycine 103 retained).
Molecular consequence: synonymous variant.
Genome position (GRCh38, 1-based): chr11:95,862,320, T>A on the plus strand (A>T on the coding strand, the complement: MTMR2 is on the minus strand). VCF-style: chr11-95862320-T-A. GRCh37 (hg19) VCF-style: chr11-95595484-T-A.
Other names: c.93A>T, p.Gly31= (NM_001243571.2, NM_201278.3, NM_201281.3).
Identifiers: ClinVar variation 1447938 (VCV001447938.7), dbSNP rs114274243, ClinGen allele CA6240373.
Genomic context (GRCh38, chr11:95,862,320, plus strand): 5'-TCTGACTCTTACCCGTTCCATGCTTTTGAAATATAACCTATAATTCGTGACAGTCAGAGT[T>A]CCTCGTACAGCGCCAGTGAATGGACATATATAAGTTACATCTTTGGCTGAAAAAGCAAGA-3'
Protein context (NP_057240.3, residues 93-113): YICPFTGAVR[Gly103=]TLTVTNYRLY

ClinVar aggregate classification (germline): Uncertain significance (1 of 4 stars; one submission).

Conditions:
Charcot-Marie-Tooth disease type 4. Also called: Charcot-Marie-Tooth disease, type IV; Charcot-Marie-Tooth, Type 4. Identifiers: Orphanet 64749, MedGen C4082197, MONDO:0018995.

Allele frequency attached by ClinVar (database versions not stated): gnomAD exomes 0.00001 and below 0.00001; 1000 Genomes Project 30x 0.00016; 1000 Genomes Project 0.00020; ExAC 0.00001; gnomAD 0.00001.
gnomAD v4.1: 7 of 1,614,102 alleles (0.00043%); highest among the groups gnomAD compares: Non-Finnish European, 0.00059%; no homozygotes.

Submission:

Labcorp Genetics (formerly Invitae), Labcorp
Classification: Uncertain significance for Charcot-Marie-Tooth disease type 4. Last evaluated: 2021-03-24. Review status: criteria provided, single submitter. Criteria: Invitae Variant Classification Sherloc (09022015). Collection method: clinical testing. Allele origin: germline.
Comment: This sequence change affects codon 103 of the MTMR2 mRNA. It is a 'silent' change, meaning that it does not change the encoded amino acid sequence of the MTMR2 protein. This variant is present in population databases (rs114274243, ExAC 0.002%). This variant has not been reported in the literature in individuals with MTMR2-related conditions. Algorithms developed to predict the effect of sequence changes on RNA splicing suggest that this variant may create or strengthen a splice site, but this prediction has not been confirmed by published transcriptional studies. In summary, the available evidence is currently insufficient to determine the role of this variant in disease. Therefore, it has been classified as a Variant of Uncertain Significance.